The following is an entry in ClinVar:

ClinVar aggregate classification (germline): Pathogenic/Likely pathogenic. Review status: criteria provided, multiple submitters, no conflicts (2 of 4 stars). 2 submissions from 2 submitters: Pathogenic (1); Likely pathogenic (1). Last evaluated 2024-08-01.

Conditions:
WFS1-related disorder. Identifiers: MedGen CN379391, MONDO:0700293.

gnomAD v4.1: 1 of 1,612,532 alleles (0.000062%); highest among the groups gnomAD compares: South Asian, 0.0011%; no homozygotes.

Submissions (2):

Blueprint Genetics
Classification: Likely pathogenic for WFS1-related disorders. Last evaluated: 2024-08-01. Review status: criteria provided, single submitter. Criteria: ACMG Guidelines, 2015. Collection method: clinical testing. Allele origin: germline. Affected: yes. Observed: 1 variant allele.

Labcorp Genetics (formerly Invitae), Labcorp
Classification: Pathogenic. Last evaluated: 2022-10-26. Review status: criteria provided, single submitter. Criteria: Invitae Variant Classification Sherloc (09022015). Collection method: clinical testing. Allele origin: germline.
Comment: This sequence change replaces glycine, which is neutral and non-polar, with arginine, which is basic and polar, at codon 736 of the WFS1 protein (p.Gly736Arg). For these reasons, this variant has been classified as Pathogenic. Advanced modeling of protein sequence and biophysical properties (such as structural, functional, and spatial information, amino acid conservation, physicochemical variation, residue mobility, and thermodynamic stability) performed at Invitae indicates that this missense variant is expected to disrupt WFS1 protein function. This missense change has been observed in individual(s) with autosomal recessive WFS1-related conditions (PMID: 15151504). This variant is present in population databases (no rsID available, gnomAD no frequency).

Literature cited by the submitters: PubMed 15151504 (cited by Labcorp Genetics (formerly Invitae), Labcorp).

NM_006005.3(WFS1):c.2206G>C (p.Gly736Arg)

Gene: WFS1 (wolframin ER transmembrane glycoprotein; plus strand). Cytogenetic location: 4p16.1.
Variant type: single nucleotide variant.
Coding change: c.2206G>C on transcript NM_006005.3 (MANE Select); coding-DNA position 2206, G replaced by C.
Protein change: p.Gly736Arg; replaces glycine 736 with arginine.
Molecular consequence: missense variant.
Genome position (GRCh38, 1-based): chr4:6,302,001, G>C. VCF-style: chr4-6302001-G-C. GRCh37 (hg19) VCF-style: chr4-6303728-G-C.
Other names: c.2206G>C, p.Gly736Arg (NM_001145853.1); short protein forms G736R.
Identifiers: ClinVar variation 2734647 (VCV002734647.4), dbSNP rs71532864, ClinGen allele CA91796940.